The following is an entry in ClinVar:

ClinVar aggregate classification (germline): Uncertain significance (1 of 4 stars; one submission).

Conditions:
Oligodontia-cancer predisposition syndrome. Also called: TOOTH AGENESIS-COLORECTAL CANCER SYNDROME. Identifiers: Orphanet 300576, MedGen C1837750, MONDO:0012075, OMIM 608615. Disease mechanism: loss of function.

Submission:

Labcorp Genetics (formerly Invitae), Labcorp
Classification: Uncertain significance for Oligodontia-cancer predisposition syndrome. Last evaluated: 2022-02-20. Review status: criteria provided, single submitter. Criteria: Invitae Variant Classification Sherloc (09022015). Collection method: clinical testing. Allele origin: germline.
Comment: In summary, the available evidence is currently insufficient to determine the role of this variant in disease. Therefore, it has been classified as a Variant of Uncertain Significance. Algorithms developed to predict the effect of missense changes on protein structure and function are either unavailable or do not agree on the potential impact of this missense change (SIFT: "Tolerated"; PolyPhen-2: "Probably Damaging"; Align-GVGD: "Class C0"). This variant has not been reported in the literature in individuals affected with AXIN2-related conditions. This variant is not present in population databases (gnomAD no frequency). This sequence change replaces glutamine, which is neutral and polar, with glutamic acid, which is acidic and polar, at codon 696 of the AXIN2 protein (p.Gln696Glu).

NM_004655.4(AXIN2):c.2086C>G (p.Gln696Glu)

Gene: AXIN2 (axin 2; minus strand). Cytogenetic location: 17q24.1.
Variant type: single nucleotide variant.
Coding change: c.2086C>G on transcript NM_004655.4 (MANE Select); coding-DNA position 2086, C replaced by G.
Protein change: p.Gln696Glu; replaces glutamine 696 with glutamic acid.
Molecular consequence: missense variant.
Genome position (GRCh38, 1-based): chr17:65,536,375, G>C on the plus strand (C>G on the coding strand, the complement: AXIN2 is on the minus strand). VCF-style: chr17-65536375-G-C. GRCh37 (hg19) VCF-style: chr17-63532493-G-C.
Other names: c.1891C>G, p.Gln631Glu (NM_001363813.1); short protein forms Q631E, Q696E.
Identifiers: ClinVar variation 2100381 (VCV002100381.4), dbSNP rs2043915274, ClinGen allele CA400676018.